The following is an entry in ClinVar:

NM_017671.5(FERMT1):c.958-46A>G

Gene: FERMT1 (FERM domain containing kindlin 1; minus strand). Cytogenetic location: 20p12.3.
Variant type: single nucleotide variant.
Coding change: c.958-46A>G on transcript NM_017671.5 (MANE Select); 46 bases into the intron before coding-DNA position 958, A replaced by G.
Molecular consequence: intron variant.
Genome position (GRCh38, 1-based): chr20:6,097,079, T>C on the plus strand (A>G on the coding strand, the complement: FERMT1 is on the minus strand). VCF-style: chr20-6097079-T-C. GRCh37 (hg19) VCF-style: chr20-6077726-T-C.
Identifiers: ClinVar variation 1275128 (VCV001275128.4), dbSNP rs6076938, ClinGen allele CA9758294.
Genomic context (GRCh38, chr20:6,097,079, plus strand): 5'-TTTGCTAATGTGGTACTAAAATGAAAACAGACGTTTTAGAAATGTTATAAACAGAAATGT[T>C]ATAAATATAAATGAATCCATTAGCCATTTTTTTCTTTGAGGACTATTCCCTTGGAATACT-3'

ClinVar aggregate classification (germline): Benign. Review status: criteria provided, multiple submitters, no conflicts (2 of 4 stars). 3 submissions from 3 submitters: Benign (3). Last evaluated 2024-01-24.

Allele frequency attached by ClinVar (database versions not stated): TOPMed 0.22250; 1000 Genomes Project 0.23462; gnomAD 0.25836 and 0.26580; gnomAD exomes 0.27369 and 0.34511; ExAC 0.31964.
gnomAD v4.1: 454,628 of 1,348,974 alleles (34%); highest among the groups gnomAD compares: South Asian, 46%; 69,021 homozygotes.

Submissions (3):

Unidad de Genómica Garrahan, Hospital de Pediatría Garrahan
Classification: Benign. Last evaluated: 2024-01-24. Review status: criteria provided, single submitter. Criteria: ACMG Guidelines, 2015. Collection method: clinical testing. Allele origin: germline. Affected: no. Observed: 34 variant alleles.
Comment: This variant is classified as Benign based on local population frequency. This variant was detected in 39% of patients studied by a panel of primary immunodeficiencies. Number of patients: 34. Only high quality variants are reported.

GeneDx
Classification: Benign. Last evaluated: 2018-11-11. Review status: criteria provided, single submitter. Criteria: GeneDx Variant Classification Process June 2021. Collection method: clinical testing. Allele origin: germline. Affected: yes.

Breakthrough Genomics
Classification: Benign. Review status: criteria provided, single submitter. Criteria: ACMG Guidelines, 2015. Collection method: not provided. Allele origin: germline. Inheritance: Autosomal recessive inheritance. Affected: yes.